The following is an entry in ClinVar:

ClinVar aggregate classification (germline): Likely benign. Review status: criteria provided, multiple submitters, no conflicts (2 of 4 stars). 2 submissions from 2 submitters: Likely benign (2). Last evaluated 2026-07-01.

Allele frequency attached by ClinVar (database versions not stated): gnomAD 0.00001; TOPMed 0.00008; gnomAD exomes 0.00016.
gnomAD v4.1: 33 of 1,520,002 alleles (0.0022%); highest among the groups gnomAD compares: Admixed American, 0.067%; no homozygotes.

Submissions (2):

CeGaT Center for Human Genetics Tuebingen
Classification: Likely benign. Last evaluated: 2026-07-01. Review status: criteria provided, single submitter. Criteria: CeGaT Center For Human Genetics Tuebingen Variant Classification Criteria Version 2. Collection method: clinical testing. Allele origin: germline. Affected: yes. Observed: 1 variant allele.
Comment: ENPP1: BP4, BP7

Labcorp Genetics (formerly Invitae), Labcorp
Classification: Likely benign. Last evaluated: 2025-11-28. Review status: criteria provided, single submitter. Criteria: Invitae Variant Classification Sherloc (09022015). Collection method: clinical testing. Allele origin: germline.

NM_006208.3(ENPP1):c.210G>A (p.Lys70=)

Gene: ENPP1 (ectonucleotide pyrophosphatase/phosphodiesterase 1; plus strand). Cytogenetic location: 6q23.2.
Variant type: single nucleotide variant.
Coding change: c.210G>A on transcript NM_006208.3 (MANE Select); coding-DNA position 210, G replaced by A.
Protein change: p.Lys70=; no amino-acid change (lysine 70 retained).
Molecular consequence: synonymous variant.
Genome position (GRCh38, 1-based): chr6:131,808,245, G>A. VCF-style: chr6-131808245-G-A. GRCh37 (hg19) VCF-style: chr6-132129385-G-A.
Identifiers: ClinVar variation 1557785 (VCV001557785.9), dbSNP rs901639495, ClinGen allele CA147948114.
Genomic context (GRCh38, chr6:131,808,245, plus strand): 5'-GGCCCCTATGGACGTGGGGGAGGAGCCGCTGGAGAAGGCGGCGCGCGCCCGCACTGCCAA[G>A]GACCCCAACACCTATAAAGTACTCTCGCTGGTAGGTCCGCGGCCAGGCCCCGGCGCCCGG-3'
Protein context (NP_006199.2, residues 60-80): LEKAARARTA[Lys70=]DPNTYKVLSL